The following is an entry in ClinVar:

NM_198123.2(CSMD3):c.3015G>A (p.Val1005=)

Gene: CSMD3 (CUB and Sushi multiple domains 3; minus strand). Cytogenetic location: 8q23.3.
Variant type: single nucleotide variant.
Coding change: c.3015G>A on transcript NM_198123.2 (MANE Select); coding-DNA position 3015, G replaced by A.
Protein change: p.Val1005=; no amino-acid change (valine 1005 retained).
Molecular consequence: synonymous variant.
Genome position (GRCh38, 1-based): chr8:112,650,339, C>T on the plus strand (G>A on the coding strand, the complement: CSMD3 is on the minus strand). VCF-style: chr8-112650339-C-T. GRCh37 (hg19) VCF-style: chr8-113662568-C-T.
Other names: c.3015G>A (NM_198123.1); c.2625G>A, p.Val875= (NM_001363185.1); c.2703G>A, p.Val901= (NM_052900.3); c.2895G>A, p.Val965= (NM_198124.2).
Identifiers: ClinVar variation 2658763 (VCV002658763.25), dbSNP rs140145232, ClinGen allele CA4850541.

ClinVar aggregate classification (germline): Likely benign. Review status: criteria provided, single submitter (1 of 4 stars). 2 submissions from 2 submitters: Likely benign (1). 1 of the submissions does not count toward it. Last evaluated 2023-04-01.

Conditions:
CSMD3-related disorder. Also called: CSMD3-related condition.

Allele frequency attached by ClinVar (database versions not stated): ESP Exome Variant Server 0.00161; gnomAD exomes 0.00169; ExAC 0.00171; 1000 Genomes Project 30x 0.00016; 1000 Genomes Project 0.00020; gnomAD 0.00135; TOPMed 0.00144.
gnomAD v4.1: 2,728 of 1,613,108 alleles (0.17%); highest among the groups gnomAD compares: Middle Eastern, 0.16%; 11 homozygotes.

Submissions (2):

CeGaT Center for Human Genetics Tuebingen
Classification: Likely benign. Last evaluated: 2023-04-01. Review status: criteria provided, single submitter. Criteria: CeGaT Center For Human Genetics Tuebingen Variant Classification Criteria Version 2. Collection method: clinical testing. Allele origin: germline. Affected: yes. Observed: 2 variant alleles.
Comment: CSMD3: BP4, BP7

PreventionGenetics, part of Exact Sciences
Classification: Benign for CSMD3-related condition. Last evaluated: 2019-11-06. Review status: no assertion criteria provided. Collection method: clinical testing. Allele origin: germline. Not counted in ClinVar's aggregate classification.
Comment: This variant is classified as benign based on ACMG/AMP sequence variant interpretation guidelines (Richards et al. 2015 PMID: 25741868, with internal and published modifications).